The following is an entry in ClinVar:

NM_002693.3(POLG):c.3268G>T (p.Glu1090Ter)

Gene: POLG (DNA polymerase gamma, catalytic subunit; minus strand). Cytogenetic location: 15q26.1.
Variant type: single nucleotide variant.
Coding change: c.3268G>T on transcript NM_002693.3 (MANE Select); coding-DNA position 3268, G replaced by T.
Protein change: p.Glu1090Ter; replaces glutamic acid 1090 with a stop codon.
Molecular consequence: nonsense.
Genome position (GRCh38, 1-based): chr15:89,318,936, C>A on the plus strand (G>T on the coding strand, the complement: POLG is on the minus strand). VCF-style: chr15-89318936-C-A. GRCh37 (hg19) VCF-style: chr15-89862167-C-A.
Other names: c.3268G>T, p.Glu1090Ter (NM_001126131.2); short protein forms E1090*.
Identifiers: ClinVar variation 2726711 (VCV002726711.3), dbSNP rs759284625, ClinGen allele CA393750411.

ClinVar aggregate classification (germline): Pathogenic (1 of 4 stars; one submission).

Conditions:
Progressive sclerosing poliodystrophy (MTDPS4A). Also called: ALPERS PROGRESSIVE INFANTILE POLIODYSTROPHY; NEURONAL DEGENERATION OF CHILDHOOD WITH LIVER DISEASE, PROGRESSIVE; Alpers Syndrome; ALPERS DIFFUSE DEGENERATION OF CEREBRAL GRAY MATTER WITH HEPATIC CIRRHOSIS; Alpers-Huttenlocher Syndrome; Mitochondrial DNA depletion syndrome 4A (Alpers type). Identifiers: Orphanet 726, MedGen C0205710, MONDO:0008758, OMIM 203700.

Submission:

Labcorp Genetics (formerly Invitae), Labcorp
Classification: Pathogenic for Progressive sclerosing poliodystrophy. Last evaluated: 2023-06-23. Review status: criteria provided, single submitter. Criteria: Invitae Variant Classification Sherloc (09022015). Collection method: clinical testing. Allele origin: germline.
Comment: This sequence change creates a premature translational stop signal (p.Glu1090*) in the POLG gene. It is expected to result in an absent or disrupted protein product. Loss-of-function variants in POLG are known to be pathogenic (PMID: 18546365). This variant is not present in population databases (gnomAD no frequency). This variant has not been reported in the literature in individuals affected with POLG-related conditions. Algorithms developed to predict the effect of sequence changes on RNA splicing suggest that this variant may create or strengthen a splice site. For these reasons, this variant has been classified as Pathogenic.

Literature cited by the submitters: PubMed 18546365.